The following is an entry in ClinVar:

ClinVar aggregate classification (germline): Benign/Likely benign. Review status: criteria provided, multiple submitters, no conflicts (2 of 4 stars). 4 submissions from 4 submitters: Benign (1); Likely benign (3). Last evaluated 2024-03-01.

Conditions:
Hereditary cancer-predisposing syndrome. Also called: Neoplastic Syndromes, Hereditary; Tumor predisposition; Hereditary Cancer Syndrome; Hereditary neoplastic syndrome. Identifiers: Orphanet 140162, MedGen C0027672, MeSH D009386, MONDO:0015356.
Familial adenomatous polyposis 1 (FAP1). Also called: FAMILIAL ADENOMATOUS POLYPOSIS 1, ATTENUATED; POLYPOSIS, ADENOMATOUS INTESTINAL. Identifiers: MedGen C2713442, MONDO:0021056, OMIM 175100. Disease mechanism: loss of function.

gnomAD v4.1: 2 of 1,613,800 alleles (0.00012%); highest among the groups gnomAD compares: Non-Finnish European, 0.00017%; no homozygotes.

Submissions (4):

Myriad Genetics, Inc.
Classification: Benign for Familial adenomatous polyposis 1. Last evaluated: 2024-03-01. Review status: criteria provided, single submitter. Criteria: Myriad Autosomal Dominant, Autosomal Recessive and X-Linked Classification Criteria (2023). Collection method: clinical testing. Allele origin: unknown.
Comment: This variant is considered benign. This variant is a silent/synonymous amino acid change and it is not expected to impact splicing.

Labcorp Genetics (formerly Invitae), Labcorp
Classification: Likely benign for Familial adenomatous polyposis 1. Last evaluated: 2023-09-26. Review status: criteria provided, single submitter. Criteria: Invitae Variant Classification Sherloc (09022015). Collection method: clinical testing. Allele origin: germline.

Color Diagnostics, LLC DBA Color Health
Classification: Likely benign for Hereditary cancer-predisposing syndrome. Last evaluated: 2020-01-13. Review status: criteria provided, single submitter. Criteria: ACMG Guidelines, 2015. Collection method: clinical testing. Allele origin: germline.

Ambry Genetics
Classification: Likely benign for Hereditary cancer-predisposing syndrome. Last evaluated: 2016-12-13. Review status: criteria provided, single submitter. Criteria: Ambry Variant Classification Scheme 2023. Collection method: clinical testing. Allele origin: germline.

NM_000038.6(APC):c.1435T>C (p.Leu479=)

Gene: APC (APC regulator of Wnt signaling pathway; plus strand). Cytogenetic location: 5q22.2.
Variant type: single nucleotide variant.
Coding change: c.1435T>C on transcript NM_000038.6 (MANE Select); coding-DNA position 1435, T replaced by C.
Protein change: p.Leu479=; no amino-acid change (leucine 479 retained).
Molecular consequence: synonymous variant.
Genome position (GRCh38, 1-based): chr5:112,827,134, T>C. VCF-style: chr5-112827134-T-C. GRCh37 (hg19) VCF-style: chr5-112162831-T-C.
Other names: c.955T>C, p.Leu319= (NM_001354905.2); c.586T>C, p.Leu196= (NM_001354906.2); c.1435T>C, p.Leu479= (NM_001127510.3, NM_001354895.2); c.1381T>C, p.Leu461= (NM_001127511.3); c.1489T>C, p.Leu497= (NM_001354896.2); c.1465T>C, p.Leu489= (NM_001354897.2); c.1360T>C, p.Leu454= (NM_001354898.2); c.1351T>C, p.Leu451= (NM_001354899.2); and 5 more.
Identifiers: ClinVar variation 482432 (VCV000482432.19), dbSNP rs780577693, ClinGen allele CA445755911.